The following is an entry in ClinVar:

NM_003597.5(KLF11):c.1039G>T (p.Ala347Ser)

Gene: KLF11 (KLF transcription factor 11; plus strand). Cytogenetic location: 2p25.1.
Variant type: single nucleotide variant.
Coding change: c.1039G>T on transcript NM_003597.5 (MANE Select); coding-DNA position 1039, G replaced by T.
Protein change: p.Ala347Ser; replaces alanine 347 with serine.
Molecular consequence: missense variant.
Genome position (GRCh38, 1-based): chr2:10,048,376, G>T. VCF-style: chr2-10048376-G-T. GRCh37 (hg19) VCF-style: chr2-10188503-G-T.
Other names: A349S; c.988G>T, p.Ala330Ser (NM_001177716.2, NM_001177718.2); short protein forms A330S, A347S.
Identifiers: ClinVar variation 6498 (VCV000006498.20), dbSNP rs121912645, ClinGen allele CA118315.
Genomic context (GRCh38, chr2:10,048,376, plus strand): 5'-CCTGTGTTCGTGGGACCTGCTGTGCCTCAGGGAGCTGTGATGTTGGTCCTGCCCCAGGGA[G>T]CCCTCCCTCCGCCTGCCCCCTGTGCAGCCAATGTCATGGCTGCCGGGAATACCAAGTTGT-3'
Protein context (NP_003588.1, residues 337-357): GAVMLVLPQG[Ala347Ser]LPPPAPCAAN

ClinVar aggregate classification (germline): Conflicting classifications of pathogenicity. Review status: criteria provided, conflicting classifications (1 of 4 stars). 4 submissions from 4 submitters: Uncertain significance (2); Likely benign (1). 1 of the submissions does not count toward it. Last evaluated 2026-01-16.

Conditions:
Maturity-onset diabetes of the young type 7 (MODY7). Identifiers: Orphanet 552, MedGen C1864839, MONDO:0012513, OMIM 610508.

Allele frequency attached by ClinVar (database versions not stated): gnomAD 0.00008 and 0.00009; gnomAD exomes 0.00008 and 0.00013; ExAC 0.00012; TOPMed 0.00018.
gnomAD v4.1: 132 of 1,612,500 alleles (0.0082%); highest among the groups gnomAD compares: Admixed American, 0.053%; no homozygotes.

Submissions (4):

Labcorp Genetics (formerly Invitae), Labcorp
Classification: Uncertain significance. Last evaluated: 2026-01-16. Review status: criteria provided, single submitter. Criteria: Invitae Variant Classification Sherloc (09022015). Collection method: clinical testing. Allele origin: germline.
Comment: This sequence change replaces alanine, which is neutral and non-polar, with serine, which is neutral and polar, at codon 347 of the KLF11 protein (p.Ala347Ser). This variant is present in population databases (rs121912645, gnomAD 0.05%), and has an allele count higher than expected for a pathogenic variant. This missense change has been observed in individual(s) with clinical features of KLF11-related conditions (PMID: 15774581, 29758564, 35108381). It has also been observed to segregate with disease in related individuals. ClinVar contains an entry for this variant (Variation ID: 6498). An algorithm developed to predict the effect of missense changes on protein structure and function (PolyPhen-2) suggests that this variant is likely to be tolerated. Experimental studies have shown that this missense change affects KLF11 function (PMID: 15774581, 23589285, 31124255). In summary, the available evidence is currently insufficient to determine the role of this variant in disease. Therefore, it has been classified as a Variant of Uncertain Significance.

CeGaT Center for Human Genetics Tuebingen
Classification: Likely benign. Last evaluated: 2025-01-01. Review status: criteria provided, single submitter. Criteria: CeGaT Center For Human Genetics Tuebingen Variant Classification Criteria Version 2. Collection method: clinical testing. Allele origin: germline. Affected: yes. Observed: 1 variant allele.
Comment: KLF11: BP4

3billion
Classification: Uncertain significance for Maturity-onset diabetes of the young type 7. Last evaluated: 2022-05-22. Review status: criteria provided, single submitter. Criteria: ACMG Guidelines, 2015. Collection method: clinical testing. Allele origin: germline. Affected: yes. Observed: 1 heterozygote.
Comment: The variant is observed at an allele frequency greater than expected (0.01%) for the associated disorder in the gnomAD v2.1.1 dataset and therefore considered uncertain significant. Functional studies provide strong evidence of the variant having a damaging effect on the gene or gene product (PMID: 15774581). In silico tool predictions suggest no damaging effect of the variant on gene or gene product (REVEL: 0.18; 3Cnet: 0.00). Same nucleotide change resulting in same amino acid change has been previously reported to be associated with KLF11 related disorder (ClinVar ID: VCV000006498 / PMID: 15774581). However, the evidence of pathogenicity is insufficient at this time. Therefore, this variant is classified as uncertain significance according to the recommendation of ACMG/AMP guideline.

OMIM
Classification: Pathogenic for MATURITY-ONSET DIABETES OF THE YOUNG, TYPE 7. Last evaluated: 2005-03-29. Review status: no assertion criteria provided. Collection method: literature only. Allele origin: germline. Not counted in ClinVar's aggregate classification.

Literature cited by the submitters: PubMed 15774581 (cited by Labcorp Genetics (formerly Invitae), Labcorp and OMIM); PubMed 29758564 (cited by Labcorp Genetics (formerly Invitae), Labcorp); PubMed 35108381 (cited by Labcorp Genetics (formerly Invitae), Labcorp); PubMed 23589285 (cited by Labcorp Genetics (formerly Invitae), Labcorp); PubMed 31124255 (cited by Labcorp Genetics (formerly Invitae), Labcorp).